The following is an entry in ClinVar:

ClinVar aggregate classification (germline): Uncertain significance (1 of 4 stars; one submission).

Conditions:
Hereditary cancer-predisposing syndrome. Also called: Hereditary Cancer Syndrome; Hereditary neoplastic syndrome; Neoplastic Syndromes, Hereditary; Tumor predisposition. Identifiers: Orphanet 140162, MedGen C0027672, MeSH D009386, MONDO:0015356.

Submission:

Ambry Genetics
Classification: Uncertain significance for Hereditary cancer-predisposing syndrome. Last evaluated: 2023-11-10. Review status: criteria provided, single submitter. Criteria: Ambry Variant Classification Scheme 2023. Collection method: clinical testing. Allele origin: germline.
Comment: The p.S204Y variant (also known as c.611C>A), located in coding exon 4 of the PALB2 gene, results from a C to A substitution at nucleotide position 611. The serine at codon 204 is replaced by tyrosine, an amino acid with dissimilar properties. This amino acid position is not well conserved in available vertebrate species. In addition, this alteration is predicted to be tolerated by in silico analysis. Since supporting evidence is limited at this time, the clinical significance of this alteration remains unclear.

NM_024675.4(PALB2):c.611C>A (p.Ser204Tyr)

Gene: PALB2 (partner and localizer of BRCA2; minus strand). Cytogenetic location: 16p12.2.
Variant type: single nucleotide variant.
Coding change: c.611C>A on transcript NM_024675.4 (MANE Select); coding-DNA position 611, C replaced by A.
Protein change: p.Ser204Tyr; replaces serine 204 with tyrosine.
Molecular consequence: missense variant.
Genome position (GRCh38, 1-based): chr16:23,635,935, G>T on the plus strand (C>A on the coding strand, the complement: PALB2 is on the minus strand). VCF-style: chr16-23635935-G-T. GRCh37 (hg19) VCF-style: chr16-23647256-G-T.
Other names: c.551C>A, p.Ser184Tyr (NM_001407296.1); c.611C>A, p.Ser204Tyr (NM_001407297.1, NM_001407298.1, NM_001407299.1 and 3 more transcripts); c.-275C>A (NM_001407304.1, NM_001407305.1, NM_001407306.1 and 5 more transcripts); short protein forms S184Y, S204Y.
Identifiers: ClinVar variation 1751715 (VCV001751715.2), dbSNP rs1567222638, ClinGen allele CA395136647.